The following is an entry in ClinVar:

ClinVar aggregate classification (germline): Uncertain significance (1 of 4 stars; one submission).

gnomAD v4.1: 8 of 1,604,712 alleles (0.0005%); highest among the groups gnomAD compares: African/African-American, 0.008%; no homozygotes.

Submission:

CeGaT Center for Human Genetics Tuebingen
Classification: Uncertain significance. Last evaluated: 2025-09-01. Review status: criteria provided, single submitter. Criteria: CeGaT Center For Human Genetics Tuebingen Variant Classification Criteria Version 2. Collection method: clinical testing. Allele origin: germline. Affected: yes. Observed: 1 variant allele.
Comment: KDM5B: PM2

NM_006618.5(KDM5B):c.896G>T (p.Arg299Leu)

Gene: KDM5B (lysine demethylase 5B; minus strand). Cytogenetic location: 1q32.1.
Variant type: single nucleotide variant.
Coding change: c.896G>T on transcript NM_006618.5 (MANE Select); coding-DNA position 896, G replaced by T.
Protein change: p.Arg299Leu; replaces arginine 299 with leucine.
Molecular consequence: missense variant.
Genome position (GRCh38, 1-based): chr1:202,762,721, C>A on the plus strand (G>T on the coding strand, the complement: KDM5B is on the minus strand). VCF-style: chr1-202762721-C-A. GRCh37 (hg19) VCF-style: chr1-202731849-C-A.
Other names: c.1004G>T, p.Arg335Leu (NM_001314042.2); c.761G>T, p.Arg254Leu (NM_001347591.2); c.881G>T, p.Arg294Leu (NM_001399817.1); short protein forms R254L, R294L, R299L, R335L.
Identifiers: ClinVar variation 4281498 (VCV004281498.7).